The following is an entry in ClinVar:

NM_172362.3(KCNH1):c.2674G>T (p.Asp892Tyr)

Gene: KCNH1 (potassium voltage-gated channel subfamily H member 1; minus strand). Cytogenetic location: 1q32.2.
Variant type: single nucleotide variant.
Coding change: c.2674G>T on transcript NM_172362.3 (MANE Select); coding-DNA position 2674, G replaced by T.
Protein change: p.Asp892Tyr; replaces aspartic acid 892 with tyrosine.
Molecular consequence: missense variant.
Genome position (GRCh38, 1-based): chr1:210,683,577, C>A on the plus strand (G>T on the coding strand, the complement: KCNH1 is on the minus strand). VCF-style: chr1-210683577-C-A. GRCh37 (hg19) VCF-style: chr1-210856919-C-A.
Other names: c.2593G>T, p.Asp865Tyr (NM_002238.4); short protein forms D892Y, D865Y.
Identifiers: ClinVar variation 4764347 (VCV004764347.1).
Genomic context (GRCh38, chr1:210,683,577, plus strand): 5'-GCTTGACCTCTGCCAGGATGGGACTCCGATCCTGGGGACTCCTGGCCTCACCCACGTTGT[C>A]CAGGCGCAAGTCGCTCTTGGTGATGCCACTGTCACACGAGTCTGTCTTCTTCAGTGTGGC-3'
Protein context (NP_758872.1, residues 882-902): SGITKSDLRL[Asp892Tyr]NVGEARSPQD

ClinVar aggregate classification (germline): Uncertain significance (1 of 4 stars; one submission).

Submission:

Labcorp Genetics (formerly Invitae), Labcorp
Classification: Uncertain significance. Last evaluated: 2025-05-01. Review status: criteria provided, single submitter. Criteria: Invitae Variant Classification Sherloc (09022015). Collection method: clinical testing. Allele origin: germline.
Comment: This sequence change replaces aspartic acid, which is acidic and polar, with tyrosine, which is neutral and polar, at codon 892 of the KCNH1 protein (p.Asp892Tyr). This variant is not present in population databases (gnomAD no frequency). This variant has not been reported in the literature in individuals affected with KCNH1-related conditions. Invitae Evidence Modeling of protein sequence and biophysical properties (such as structural, functional, and spatial information, amino acid conservation, physicochemical variation, residue mobility, and thermodynamic stability) has been performed for this missense variant. However, the output from this modeling did not meet the statistical confidence thresholds required to predict the impact of this variant on KCNH1 protein function. In summary, the available evidence is currently insufficient to determine the role of this variant in disease. Therefore, it has been classified as a Variant of Uncertain Significance.